The following is an entry in ClinVar:

NM_001290060.2(SEMA3B):c.992+8G>A

Gene: SEMA3B (semaphorin 3B; plus strand). Cytogenetic location: 3p21.31.
Variant type: single nucleotide variant.
Coding change: c.992+8G>A on transcript NM_001290060.2 (MANE Select); 8 bases into the intron after coding-DNA position 992, G replaced by A.
Molecular consequence: intron variant.
Genome position (GRCh38, 1-based): chr3:50,273,836, G>A. VCF-style: chr3-50273836-G-A. GRCh37 (hg19) VCF-style: chr3-50311267-G-A.
Other names: c.992+8G>A (NM_001435958.1, NM_001435956.1, NM_001435957.1 and 2 more transcripts); c.1007+8G>A (NM_001290061.1); c.-35+8G>A (NM_001290062.2); c.-38+8G>A (NM_001290063.2).
Identifiers: ClinVar variation 4988723 (VCV004988723.1).

ClinVar aggregate classification (germline): Likely benign (1 of 4 stars; one submission).

Conditions:
SEMA3B-related disorder. Also called: SEMA3B-related condition.

gnomAD v4.1: 7 of 1,574,298 alleles (0.00044%); highest among the groups gnomAD compares: Non-Finnish European, 0.0006%; no homozygotes.

Submission:

PreventionGenetics, part of Exact Sciences
Classification: Likely benign for SEMA3B-related condition. Last evaluated: 2024-11-20. Review status: criteria provided, single submitter. Criteria: ACMG Guidelines, 2015. Collection method: clinical testing. Allele origin: germline.
Comment: This variant is classified as likely benign based on ACMG/AMP sequence variant interpretation guidelines (Richards et al. 2015 PMID: 25741868, with internal and published modifications).